The following is an entry in ClinVar:

ClinVar aggregate classification (germline): Pathogenic (1 of 4 stars; one submission).

Submission:

GeneDx
Classification: Pathogenic. Last evaluated: 2018-08-06. Review status: criteria provided, single submitter. Criteria: GeneDx Variant Classification (06012015). Collection method: clinical testing. Allele origin: germline. Affected: yes.
Comment: The c.5819delC variant in the HIVEP2 gene has not been reported previously as a pathogenic variant nor as a benign variant, to our knowledge. The c.5819delC variant causes a frameshift starting with codon Proline 1940, changes this amino acid to a Leucine residue, and creates a premature Stop codon at position 9 of the new reading frame, denoted p.Pro1940LeufsX9. This variant is predicted to cause loss of normal protein function either through protein truncation or nonsense-mediated mRNA decay. The c.5819delC variant is not observed in large population cohorts (Lek et al., 2016). We interpret c.5819delC as a pathogenic variant.

NM_006734.4(HIVEP2):c.5819del (p.Pro1940fs)

Gene: HIVEP2 (HIVEP zinc finger 2; minus strand). Cytogenetic location: 6q24.2.
Variant type: Deletion.
Coding change: c.5819del on transcript NM_006734.4 (MANE Select); coding-DNA position 5819, one base deleted (C; older notation c.5819delC).
Protein change: p.Pro1940fs; shifts the reading frame from proline 1940.
Molecular consequence: frameshift variant.
Genome position (GRCh38, 1-based): chr6:142,760,469, G deleted on the plus strand (C on the coding strand, the reverse complement: HIVEP2 is on the minus strand); the first of 2 consecutive G bases (chr6:142,760,469-142,760,470); deleting either gives the same sequence. VCF-style (leftmost placement, unchanged base first): chr6-142760468-AG-A. GRCh37 (hg19) VCF-style: chr6-143081605-AG-A.
Other names: short protein forms P1940fs.
Identifiers: ClinVar variation 817181 (VCV000817181.1), dbSNP rs1582831406, ClinGen allele CA915944436.